The following is an entry in ClinVar:

NM_002860.4(ALDH18A1):c.1596C>T (p.Ala532=)

Gene: ALDH18A1 (aldehyde dehydrogenase 18 family member A1; minus strand). Cytogenetic location: 10q24.1.
Variant type: single nucleotide variant.
Coding change: c.1596C>T on transcript NM_002860.4 (MANE Select); coding-DNA position 1596, C replaced by T.
Protein change: p.Ala532=; no amino-acid change (alanine 532 retained).
Molecular consequence: synonymous variant.
Genome position (GRCh38, 1-based): chr10:95,616,486, G>A on the plus strand (C>T on the coding strand, the complement: ALDH18A1 is on the minus strand). VCF-style: chr10-95616486-G-A. GRCh37 (hg19) VCF-style: chr10-97376243-G-A.
Other names: c.1590C>T, p.Ala530= (NM_001017423.2, NM_001323415.2); c.1263C>T, p.Ala421= (NM_001323412.2, NM_001323416.2); c.1596C>T, p.Ala532= (NM_001323413.2, NM_001323414.2); c.1491C>T, p.Ala497= (NM_001323417.2); c.1257C>T, p.Ala419= (NM_001323418.2); c.960C>T, p.Ala320= (NM_001323419.2).
Identifiers: ClinVar variation 301765 (VCV000301765.29), dbSNP rs200730342, ClinGen allele CA5620278.

ClinVar aggregate classification (germline): Conflicting classifications of pathogenicity. Review status: criteria provided, conflicting classifications (1 of 4 stars). 5 submissions from 5 submitters: Uncertain significance (1); Likely benign (4). Last evaluated 2026-01-21.

Conditions:
ALDH18A1-related de Barsy syndrome. Also called: Cutis laxa, autosomal recessive IIIA; DE BARSY SYNDROME A. Identifiers: Orphanet 2962, Orphanet 35664, MedGen C5234852, MONDO:0009053, OMIM 219150.
Cutis laxa, autosomal dominant 3 (ADCL3). Identifiers: Orphanet 90348, MedGen C4225268, MONDO:0014706, OMIM 616603.
Autosomal dominant spastic paraplegia type 9. Identifiers: MedGen C1832669, MONDO:0015091.
de Barsy syndrome. Also called: Cutis laxa-corneal clouding-oligophrenia syndrome. Identifiers: Orphanet 2962, MedGen C0268354, MONDO:0017569.

Allele frequency attached by ClinVar (database versions not stated): ExAC below 0.00001; gnomAD exomes 0.00005; gnomAD 0.00006 and 0.00007; TOPMed 0.00014; 1000 Genomes Project 30x 0.00016; 1000 Genomes Project 0.00020.
gnomAD v4.1: 106 of 1,566,536 alleles (0.0068%); highest among the groups gnomAD compares: Middle Eastern, 0.033%; 1 homozygote.

Submissions (5):

Labcorp Genetics (formerly Invitae), Labcorp
Classification: Likely benign for Autosomal dominant spastic paraplegia type 9; de Barsy syndrome; Cutis laxa, autosomal dominant 3. Last evaluated: 2026-01-21. Review status: criteria provided, single submitter. Criteria: Invitae Variant Classification Sherloc (09022015). Collection method: clinical testing. Allele origin: germline.

CeGaT Center for Human Genetics Tuebingen
Classification: Likely benign. Last evaluated: 2025-02-01. Review status: criteria provided, single submitter. Criteria: CeGaT Center For Human Genetics Tuebingen Variant Classification Criteria Version 2. Collection method: clinical testing. Allele origin: germline. Affected: yes. Observed: 2 variant alleles.
Comment: ALDH18A1: BP4, BP7

Blueprint Genetics
Classification: Likely benign. Last evaluated: 2024-07-23. Review status: criteria provided, single submitter. Criteria: ACMG Guidelines, 2015. Collection method: clinical testing. Allele origin: germline.

GeneDx
Classification: Likely benign. Last evaluated: 2020-10-27. Review status: criteria provided, single submitter. Criteria: GeneDx Variant Classification Process June 2021. Collection method: clinical testing. Allele origin: germline. Affected: yes.

Illumina Laboratory Services, Illumina
Classification: Uncertain significance for ALDH18A1-related de Barsy syndrome. Last evaluated: 2018-01-12. Review status: criteria provided, single submitter. Criteria: ICSL Variant Classification Criteria 13 December 2019. Collection method: clinical testing. Allele origin: germline.